The following is an entry in ClinVar:

ClinVar aggregate classification (germline): Conflicting classifications of pathogenicity. Review status: criteria provided, conflicting classifications (1 of 4 stars). 3 submissions from 3 submitters: Uncertain significance (2); Likely benign (1). Last evaluated 2025-07-03.

Conditions:
Inborn genetic diseases. Identifiers: MedGen C0950123, MeSH D030342.

Allele frequency attached by ClinVar (database versions not stated): gnomAD exomes 0.00002; ExAC 0.00003; gnomAD 0.00007; TOPMed 0.00009.
gnomAD v4.1: 41 of 1,613,932 alleles (0.0025%); highest among the groups gnomAD compares: Middle Eastern, 0.016%; no homozygotes.

Submissions (3):

Labcorp Genetics (formerly Invitae), Labcorp
Classification: Uncertain significance. Last evaluated: 2025-07-03. Review status: criteria provided, single submitter. Criteria: Invitae Variant Classification Sherloc (09022015). Collection method: clinical testing. Allele origin: germline.
Comment: This sequence change replaces glycine, which is neutral and non-polar, with serine, which is neutral and polar, at codon 438 of the GSN protein (p.Gly438Ser). This variant is present in population databases (rs372218880, gnomAD 0.02%). This variant has not been reported in the literature in individuals affected with GSN-related conditions. ClinVar contains an entry for this variant (Variation ID: 1769701). Invitae Evidence Modeling of protein sequence and biophysical properties (such as structural, functional, and spatial information, amino acid conservation, physicochemical variation, residue mobility, and thermodynamic stability) indicates that this missense variant is not expected to disrupt GSN protein function with a negative predictive value of 80%. In summary, the available evidence is currently insufficient to determine the role of this variant in disease. Therefore, it has been classified as a Variant of Uncertain Significance.

CeGaT Center for Human Genetics Tuebingen
Classification: Likely benign. Last evaluated: 2025-04-01. Review status: criteria provided, single submitter. Criteria: CeGaT Center For Human Genetics Tuebingen Variant Classification Criteria Version 2. Collection method: clinical testing. Allele origin: germline. Affected: yes. Observed: 1 variant allele.
Comment: GSN: BP4, BS2

Ambry Genetics
Classification: Uncertain significance for Inborn genetic diseases. Last evaluated: 2023-07-05. Review status: criteria provided, single submitter. Criteria: Ambry Variant Classification Scheme 2023. Collection method: clinical testing. Allele origin: germline.

NM_198252.3(GSN):c.1159G>A (p.Gly387Ser)

Gene: GSN (gelsolin; plus strand). Cytogenetic location: 9q33.2.
Variant type: single nucleotide variant.
Coding change: c.1159G>A on transcript NM_198252.3 (MANE Select); coding-DNA position 1159, G replaced by A.
Protein change: p.Gly387Ser; replaces glycine 387 with serine.
Molecular consequence: missense variant.
Genome position (GRCh38, 1-based): chr9:121,318,848, G>A. VCF-style: chr9-121318848-G-A. GRCh37 (hg19) VCF-style: chr9-124081126-G-A.
Other names: c.1159G>A, p.Gly387Ser (NM_001353062.1, NM_001127662.2, NM_001127664.2 and 10 more transcripts); c.1192G>A, p.Gly398Ser (NM_001353063.2, NM_001353064.2, NM_001353065.2 and 13 more transcripts); c.1312G>A, p.Gly438Ser (NM_000177.5); c.1267G>A, p.Gly423Ser (NM_001127663.2); c.1210G>A, p.Gly404Ser (NM_001258029.2); c.1183G>A, p.Gly395Ser (NM_001258030.2); c.1231G>A, p.Gly411Ser (NM_001353076.2); c.505G>A, p.Gly169Ser (NM_001353078.2); short protein forms G438S, G169S, G387S, G398S, G404S, G411S, G423S, G395S.
Identifiers: ClinVar variation 1769701 (VCV001769701.15), dbSNP rs372218880, ClinGen allele CA5221156.